The following is an entry in ClinVar:

ClinVar aggregate classification (germline): Uncertain significance (1 of 4 stars; one submission).

Conditions:
Methylcobalamin deficiency type cblG (HMAG). Also called: HOMOCYSTINURIA-MEGALOBLASTIC ANEMIA, cblG COMPLEMENTATION TYPE; Functional methionine synthase deficiency type cblG; HOMOCYSTINURIA-MEGALOBLASTIC ANEMIA, cblG TYPE; HOMOCYSTINURIA-MEGALOBLASTIC ANEMIA DUE TO DEFECT IN COBALAMIN METABOLISM, cblG COMPLEMENTATION TYPE. Identifiers: Orphanet 2170, Orphanet 622, MedGen C1855128, MONDO:0009609, OMIM 250940.

Allele frequency attached by ClinVar (database versions not stated): TOPMed below 0.00001.
gnomAD v4.1: 1 of 1,614,156 alleles (0.000062%); highest among the groups gnomAD compares: Non-Finnish European, 0.000085%; no homozygotes.

Submission:

Labcorp Genetics (formerly Invitae), Labcorp
Classification: Uncertain significance for Methylcobalamin deficiency type cblG. Last evaluated: 2022-07-24. Review status: criteria provided, single submitter. Criteria: Invitae Variant Classification Sherloc (09022015). Collection method: clinical testing. Allele origin: germline.
Comment: This variant has not been reported in the literature in individuals affected with MTR-related conditions. In summary, the available evidence is currently insufficient to determine the role of this variant in disease. Therefore, it has been classified as a Variant of Uncertain Significance. Algorithms developed to predict the effect of missense changes on protein structure and function are either unavailable or do not agree on the potential impact of this missense change (SIFT: "Deleterious"; PolyPhen-2: "Benign"; Align-GVGD: "Class C0"). This variant is not present in population databases (gnomAD no frequency). This sequence change replaces serine, which is neutral and polar, with arginine, which is basic and polar, at codon 1039 of the MTR protein (p.Ser1039Arg).

NM_000254.3(MTR):c.3115A>C (p.Ser1039Arg)

Gene: MTR (5-methyltetrahydrofolate-homocysteine methyltransferase; plus strand). Cytogenetic location: 1q43.
Variant type: single nucleotide variant.
Coding change: c.3115A>C on transcript NM_000254.3 (MANE Select); coding-DNA position 3115, A replaced by C.
Protein change: p.Ser1039Arg; replaces serine 1039 with arginine.
Molecular consequence: missense variant.
Genome position (GRCh38, 1-based): chr1:236,891,240, A>C. VCF-style: chr1-236891240-A-C. GRCh37 (hg19) VCF-style: chr1-237054540-A-C.
Other names: c.2962A>C, p.Ser988Arg (NM_001291939.1); c.1894A>C, p.Ser632Arg (NM_001291940.2); c.2926A>C, p.Ser976Arg (NM_001410942.1); short protein forms S632R, S976R, S1039R, S988R.
Identifiers: ClinVar variation 1998239 (VCV001998239.4), dbSNP rs1214329587, ClinGen allele CA345387176.